The following is an entry in ClinVar:

NM_020928.2(ZSWIM6):c.603C>G (p.Asp201Glu)

Gene: ZSWIM6 (zinc finger SWIM-type containing 6; plus strand). Cytogenetic location: 5q12.1.
Variant type: single nucleotide variant.
Coding change: c.603C>G on transcript NM_020928.2 (MANE Select); coding-DNA position 603, C replaced by G.
Protein change: p.Asp201Glu; replaces aspartic acid 201 with glutamic acid.
Molecular consequence: missense variant.
Genome position (GRCh38, 1-based): chr5:61,332,875, C>G. VCF-style: chr5-61332875-C-G. GRCh37 (hg19) VCF-style: chr5-60628702-C-G.
Other names: c.603C>G (NM_020928.1); short protein forms D201E.
Identifiers: ClinVar variation 1503116 (VCV001503116.7), dbSNP rs1157915201, ClinGen allele CA359941046.

ClinVar aggregate classification (germline): Uncertain significance. Review status: criteria provided, multiple submitters, no conflicts (2 of 4 stars). 2 submissions from 2 submitters: Uncertain significance (2). Last evaluated 2024-09-08.

Conditions:
Inborn genetic diseases. Identifiers: MedGen C0950123, MeSH D030342.

Allele frequency attached by ClinVar (database versions not stated): gnomAD 0.00003 and 0.00004; gnomAD exomes 0.00003; TOPMed 0.00007.
gnomAD v4.1: 95 of 1,277,950 alleles (0.0074%); highest among the groups gnomAD compares: Non-Finnish European, 0.0095%; no homozygotes.

Submissions (2):

Ambry Genetics
Classification: Uncertain significance for Inborn genetic diseases. Last evaluated: 2024-09-08. Review status: criteria provided, single submitter. Criteria: Ambry Variant Classification Scheme 2023. Collection method: clinical testing. Allele origin: germline.

Labcorp Genetics (formerly Invitae), Labcorp
Classification: Uncertain significance. Last evaluated: 2021-08-15. Review status: criteria provided, single submitter. Criteria: Invitae Variant Classification Sherloc (09022015). Collection method: clinical testing. Allele origin: germline.
Comment: In summary, the available evidence is currently insufficient to determine the role of this variant in disease. Therefore, it has been classified as a Variant of Uncertain Significance. Algorithms developed to predict the effect of missense changes on protein structure and function are either unavailable or do not agree on the potential impact of this missense change (SIFT: "Deleterious"; PolyPhen-2: "Benign"; Align-GVGD: "Class C0"). This variant has not been reported in the literature in individuals affected with ZSWIM6-related conditions. The frequency data for this variant in the population databases is considered unreliable, as metrics indicate insufficient coverage at this position in the ExAC database. This sequence change replaces aspartic acid with glutamic acid at codon 201 of the ZSWIM6 protein (p.Asp201Glu). The aspartic acid residue is weakly conserved and there is a small physicochemical difference between aspartic acid and glutamic acid.